The following is an entry in ClinVar:

ClinVar aggregate classification (germline): Uncertain significance (1 of 4 stars; one submission).

Conditions:
Hereditary cancer-predisposing syndrome. Also called: Hereditary neoplastic syndrome; Neoplastic Syndromes, Hereditary; Tumor predisposition; Hereditary Cancer Syndrome. Identifiers: Orphanet 140162, MedGen C0027672, MeSH D009386, MONDO:0015356.

Submission:

Ambry Genetics
Classification: Uncertain significance for Hereditary cancer-predisposing syndrome. Last evaluated: 2025-02-12. Review status: criteria provided, single submitter. Criteria: Ambry Variant Classification Scheme 2023. Collection method: clinical testing. Allele origin: germline.
Comment: The p.V1299L variant (also known as c.3895G>C), located in coding exon 32 of the TSC2 gene, results from a G to C substitution at nucleotide position 3895. The valine at codon 1299 is replaced by leucine, an amino acid with highly similar properties. This amino acid position is conserved. In addition, the in silico prediction for this alteration is inconclusive. Based on the available evidence, the clinical significance of this variant remains unclear.

NM_000548.5(TSC2):c.3895G>C (p.Val1299Leu)

Gene: TSC2 (TSC complex subunit 2; plus strand). Cytogenetic location: 16p13.3.
Variant type: single nucleotide variant.
Coding change: c.3895G>C on transcript NM_000548.5 (MANE Select); coding-DNA position 3895, G replaced by C.
Protein change: p.Val1299Leu; replaces valine 1299 with leucine.
Molecular consequence: missense variant. On other transcripts: non-coding transcript variant (5).
Genome position (GRCh38, 1-based): chr16:2,083,706, G>C. VCF-style: chr16-2083706-G-C. GRCh37 (hg19) VCF-style: chr16-2133707-G-C.
Other names: c.3694G>C, p.Val1232Leu (NM_001077183.3); c.3826G>C, p.Val1276Leu (NM_001114382.3); c.3586G>C, p.Val1196Leu (NM_001318827.2); c.3550G>C, p.Val1184Leu (NM_001318829.2); c.3163G>C, p.Val1055Leu (NM_001318831.2); c.3727G>C, p.Val1243Leu (NM_001318832.2); c.3697G>C, p.Val1233Leu (NM_001363528.2); c.3763G>C, p.Val1255Leu (NM_001370404.1); and 26 more; short protein forms V1055L, V1075L, V1079L, V1196L, V1229L, V1239L, V698L, V784L.
Identifiers: ClinVar variation 3811357 (VCV003811357.1).
Genomic context (GRCh38, chr16:2,083,706, plus strand): 5'-AGGGCCTGGCCCAGCCCCACATCCAGCAGCCCCGTCTGTGTCCTCCCAGACTCCGCCGTG[G>C]TCATGGAGGAGGGAAGTCCGGGCGAGGTTCCTGTGCTGGTGGAGCCCCCAGGGTTGGAGG-3'
Protein context (NP_000539.2, residues 1289-1309): RSVSWADSAV[Val1299Leu]MEEGSPGEVP